The following is an entry in ClinVar:

ClinVar aggregate classification (germline): Uncertain significance (1 of 4 stars; one submission).

Conditions:
Psoriasis 2. Identifiers: MedGen C1864497, MONDO:0011269, OMIM 602723.
Pityriasis rubra pilaris (PRP). Also called: Pityriasis rubra pilaris--familial type. Identifiers: Orphanet 2897, MedGen C0032027, MONDO:0100017, OMIM 173200, MONDO:0008251.

gnomAD v4.1: 5 of 1,599,962 alleles (0.00031%); highest among the groups gnomAD compares: African/African-American, 0.0027%; no homozygotes.

Submission:

Labcorp Genetics (formerly Invitae), Labcorp
Classification: Uncertain significance for Pityriasis rubra pilaris; Psoriasis 2. Last evaluated: 2025-03-31. Review status: criteria provided, single submitter. Criteria: Invitae Variant Classification Sherloc (09022015). Collection method: clinical testing. Allele origin: germline.
Comment: This sequence change replaces cysteine, which is neutral and slightly polar, with tyrosine, which is neutral and polar, at codon 984 of the CARD14 protein (p.Cys984Tyr). The frequency data for this variant in the population databases is considered unreliable, as metrics indicate poor data quality at this position in the gnomAD database. This variant has not been reported in the literature in individuals affected with CARD14-related conditions. Invitae Evidence Modeling of protein sequence and biophysical properties (such as structural, functional, and spatial information, amino acid conservation, physicochemical variation, residue mobility, and thermodynamic stability) indicates that this missense variant is not expected to disrupt CARD14 protein function with a negative predictive value of 95%. In summary, the available evidence is currently insufficient to determine the role of this variant in disease. Therefore, it has been classified as a Variant of Uncertain Significance.

NM_001366385.1(CARD14):c.2951G>A (p.Cys984Tyr)

Genes: CARD14 (caspase recruitment domain family member 14; plus strand), SGSH (N-sulfoglucosamine sulfohydrolase; minus strand). Cytogenetic location: 17q25.3.
Variant type: single nucleotide variant.
Coding change: c.2951G>A on transcript NM_001366385.1 (MANE Select); coding-DNA position 2951, G replaced by A.
Protein change: p.Cys984Tyr; replaces cysteine 984 with tyrosine.
Molecular consequence: missense variant. On other transcripts: non-coding transcript variant (1).
Genome position (GRCh38, 1-based): chr17:80,208,281, G>A. VCF-style: chr17-80208281-G-A. GRCh37 (hg19) VCF-style: chr17-78182080-G-A.
Other names: c.2951G>A, p.Cys984Tyr (NM_024110.4); short protein forms C984Y.
Identifiers: ClinVar variation 4794518 (VCV004794518.1).